The following is an entry in ClinVar:

ClinVar aggregate classification (germline): Uncertain significance. Review status: criteria provided, multiple submitters, no conflicts (2 of 4 stars). 4 submissions from 4 submitters: Uncertain significance (4). Last evaluated 2025-09-03.

Conditions:
Inborn genetic diseases. Identifiers: MedGen C0950123, MeSH D030342.
PKD1L1-related disorder. Also called: PKD1L1-related condition.

Allele frequency attached by ClinVar (database versions not stated): gnomAD 0.00002; TOPMed 0.00002; ExAC 0.00011.
gnomAD v4.1: 98 of 1,613,492 alleles (0.0061%); highest among the groups gnomAD compares: South Asian, 0.059%; no homozygotes.

Submissions (4):

PreventionGenetics, part of Exact Sciences
Classification: Uncertain significance for PKD1L1-related condition. Last evaluated: 2025-09-03. Review status: criteria provided, single submitter. Criteria: ACMG Guidelines, 2015. Collection method: clinical testing. Allele origin: germline.
Comment: The PKD1L1 c.6115G>A variant is predicted to result in the amino acid substitution p.Glu2039Lys. To our knowledge, this variant has not been reported in the literature. This variant is reported in 0.049% of alleles in individuals of South Asian descent in gnomAD. At this time, the clinical significance of this variant is uncertain due to the absence of conclusive functional and genetic evidence.

Labcorp Genetics (formerly Invitae), Labcorp
Classification: Uncertain significance. Last evaluated: 2025-08-15. Review status: criteria provided, single submitter. Criteria: Invitae Variant Classification Sherloc (09022015). Collection method: clinical testing. Allele origin: germline.
Comment: This sequence change replaces glutamic acid, which is acidic and polar, with lysine, which is basic and polar, at codon 2039 of the PKD1L1 protein (p.Glu2039Lys). This variant is present in population databases (rs771792457, gnomAD 0.05%). This variant has not been reported in the literature in individuals affected with PKD1L1-related conditions. ClinVar contains an entry for this variant (Variation ID: 2376923). Invitae Evidence Modeling of protein sequence and biophysical properties (such as structural, functional, and spatial information, amino acid conservation, physicochemical variation, residue mobility, and thermodynamic stability) indicates that this missense variant is not expected to disrupt PKD1L1 protein function with a negative predictive value of 80%. In summary, the available evidence is currently insufficient to determine the role of this variant in disease. Therefore, it has been classified as a Variant of Uncertain Significance.

CeGaT Center for Human Genetics Tuebingen
Classification: Uncertain significance. Last evaluated: 2025-03-01. Review status: criteria provided, single submitter. Criteria: CeGaT Center For Human Genetics Tuebingen Variant Classification Criteria Version 2. Collection method: clinical testing. Allele origin: germline. Affected: yes. Observed: 1 variant allele.
Comment: PKD1L1: PM2:Supporting, PM3:Supporting, BP4

Ambry Genetics
Classification: Uncertain significance for Inborn genetic diseases. Last evaluated: 2021-07-09. Review status: criteria provided, single submitter. Criteria: Ambry Variant Classification Scheme 2023. Collection method: clinical testing. Allele origin: germline.

NM_138295.5(PKD1L1):c.6115G>A (p.Glu2039Lys)

Gene: PKD1L1 (polycystin 1 like 1, transient receptor potential channel interacting; minus strand). Cytogenetic location: 7p12.3.
Variant type: single nucleotide variant.
Coding change: c.6115G>A on transcript NM_138295.5 (MANE Select); coding-DNA position 6115, G replaced by A.
Protein change: p.Glu2039Lys; replaces glutamic acid 2039 with lysine.
Molecular consequence: missense variant.
Genome position (GRCh38, 1-based): chr7:47,834,979, C>T on the plus strand (G>A on the coding strand, the complement: PKD1L1 is on the minus strand). VCF-style: chr7-47834979-C-T. GRCh37 (hg19) VCF-style: chr7-47874577-C-T.
Other names: short protein forms E2039K.
Identifiers: ClinVar variation 2376923 (VCV002376923.11), dbSNP rs771792457, ClinGen allele CA4252592.
Genomic context (GRCh38, chr7:47,834,979, plus strand): 5'-AAGGCTCAGCCCCACGGAGAGTTTCTGAGAGTTTTAATGTACATTTACCATGGGGTGCCT[C>T]GGTCTGTGCTCCTCCTCTAAGTGGGCTGTGTGGCTCCACTCGGGCAGACCCCGGGGCTTC-3'
Protein context (NP_612152.1, residues 2029-2049): HSPLRGGAQT[Glu2039Lys]APHGPNSWGR